The following is an entry in ClinVar:

ClinVar aggregate classification (germline): Pathogenic (1 of 4 stars; one submission).

Conditions:
Sialuria. Also called: SIALURIA, FRENCH TYPE; Sialic Acid Storage Disease. Identifiers: Orphanet 3166, MedGen C0342853, MONDO:0010028, OMIM 269921.
GNE myopathy (NM). Also called: MYOPATHY, DISTAL, WITH OR WITHOUT RIMMED VACUOLES; INCLUSION BODY MYOPATHY, HEREDITARY, AUTOSOMAL RECESSIVE; INCLUSION BODY MYOPATHY 2, AUTOSOMAL RECESSIVE; IBM 2; Inclusion body myopathy autosomal recessive; Inclusion body myopathy quadriceps sparing. Identifiers: Orphanet 602, MedGen C1853926, MONDO:0011603, OMIM 605820.

Submission:

Labcorp Genetics (formerly Invitae), Labcorp
Classification: Pathogenic for Sialuria; GNE myopathy. Last evaluated: 2025-04-07. Review status: criteria provided, single submitter. Criteria: Invitae Variant Classification Sherloc (09022015). Collection method: clinical testing. Allele origin: germline.
Comment: This sequence change creates a premature translational stop signal (p.Gln8*) in the GNE gene. It is expected to result in an absent or disrupted protein product. Loss-of-function variants in GNE are known to be pathogenic (PMID: 24027297). This variant is not present in population databases (gnomAD no frequency). This variant has not been reported in the literature in individuals affected with GNE-related conditions. ClinVar contains an entry for this variant (Variation ID: 2121685). For these reasons, this variant has been classified as Pathogenic.

Literature cited by the submitters: PubMed 24027297.

NM_001128227.3(GNE):c.22C>T (p.Gln8Ter)

Gene: GNE (glucosamine (UDP-N-acetyl)-2-epimerase/N-acetylmannosamine kinase; minus strand). Cytogenetic location: 9p13.3.
Variant type: single nucleotide variant.
Coding change: c.22C>T on transcript NM_001128227.3 (MANE Plus Clinical); coding-DNA position 22, C replaced by T.
Protein change: p.Gln8Ter; replaces glutamine 8 with a stop codon.
Molecular consequence: nonsense. On other transcripts: 5 prime UTR variant (1).
Genome position (GRCh38, 1-based): chr9:36,276,923, G>A on the plus strand (C>T on the coding strand, the complement: GNE is on the minus strand). VCF-style: chr9-36276923-G-A. GRCh37 (hg19) VCF-style: chr9-36276920-G-A.
Other names: c.-43C>T (NM_001190388.2); short protein forms Q8*.
Identifiers: ClinVar variation 2121685 (VCV002121685.4), dbSNP rs2489933518, ClinGen allele CA373429444.
Genomic context (GRCh38, chr9:36,276,923, plus strand): 5'-ATAAAGCTCTATTGAATTCCGAATTACTTACATGAGGTCCTTGAAAGCATGACTCCCTCT[G>A]CAGATAACCATAGGTTTCCATCCCGAAGCACGAGCTCTGTACCCTAGTGTGGTTTGAAAT-3'